The following is an entry in ClinVar:

NM_024675.4(PALB2):c.145A>G (p.Lys49Glu)

Gene: PALB2 (partner and localizer of BRCA2; minus strand). Cytogenetic location: 16p12.2.
Variant type: single nucleotide variant.
Coding change: c.145A>G on transcript NM_024675.4 (MANE Select); coding-DNA position 145, A replaced by G.
Protein change: p.Lys49Glu; replaces lysine 49 with glutamic acid.
Molecular consequence: missense variant.
Genome position (GRCh38, 1-based): chr16:23,637,916, T>C on the plus strand (A>G on the coding strand, the complement: PALB2 is on the minus strand). VCF-style: chr16-23637916-T-C. GRCh37 (hg19) VCF-style: chr16-23649237-T-C.
Other names: short protein forms K49E.
Identifiers: ClinVar variation 1413358 (VCV001413358.7), dbSNP rs2142457092, ClinGen allele CA395139289.

ClinVar aggregate classification (germline): Uncertain significance (1 of 4 stars; one submission).

Conditions:
Familial cancer of breast. Also called: BREAST CANCER, FAMILIAL; Hereditary breast cancer; hereditary breast carcinoma. Identifiers: Orphanet 227535, MedGen C0346153, MONDO:0016419, OMIM 114480. Disease mechanism: loss of function.

Allele frequency attached by ClinVar (database versions not stated): gnomAD exomes below 0.00001.
gnomAD v4.1: 1 of 1,614,068 alleles (0.000062%); highest among the groups gnomAD compares: African/African-American, 0.0013%; no homozygotes.

Submission:

Labcorp Genetics (formerly Invitae), Labcorp
Classification: Uncertain significance for Familial cancer of breast. Last evaluated: 2025-10-28. Review status: criteria provided, single submitter. Criteria: Invitae Variant Classification Sherloc (09022015). Collection method: clinical testing. Allele origin: germline.
Comment: This sequence change replaces lysine, which is basic and polar, with glutamic acid, which is acidic and polar, at codon 49 of the PALB2 protein (p.Lys49Glu). This variant is not present in population databases (gnomAD no frequency). This variant has not been reported in the literature in individuals affected with PALB2-related conditions. ClinVar contains an entry for this variant (Variation ID: 1413358). An algorithm developed to predict the effect of missense changes on protein structure and function (PolyPhen-2) suggests that this variant is likely to be disruptive. In summary, the available evidence is currently insufficient to determine the role of this variant in disease. Therefore, it has been classified as a Variant of Uncertain Significance.